The following is an entry in ClinVar:

NM_001148.6(ANK2):c.11652A>G (p.Glu3884=)

Gene: ANK2 (ankyrin 2; plus strand). Cytogenetic location: 4q26.
Variant type: single nucleotide variant.
Coding change: c.11652A>G on transcript NM_001148.6 (MANE Select); coding-DNA position 11652, A replaced by G.
Protein change: p.Glu3884=; no amino-acid change (glutamic acid 3884 retained).
Molecular consequence: synonymous variant. On other transcripts: intron variant (1).
Genome position (GRCh38, 1-based): chr4:113,373,131, A>G. VCF-style: chr4-113373131-A-G. GRCh37 (hg19) VCF-style: chr4-114294287-A-G.
Other names: c.5370A>G, p.Glu1790= (NM_001127493.3); c.5409A>G, p.Glu1803= (NM_001354225.2); c.5391A>G, p.Glu1797= (NM_001354228.2); c.5376A>G, p.Glu1792= (NM_001354230.2); c.5532A>G, p.Glu1844= (NM_001354231.2); c.5526A>G, p.Glu1842= (NM_001354232.2); c.5487A>G, p.Glu1829= (NM_001354235.2); c.5295A>G, p.Glu1765= (NM_001354236.2); and 44 more.
Identifiers: ClinVar variation 347348 (VCV000347348.35), dbSNP rs752145926, ClinGen allele CA3052340.

ClinVar aggregate classification (germline): Likely benign. Review status: criteria provided, multiple submitters, no conflicts (2 of 4 stars). 4 submissions from 4 submitters: Likely benign (4). Last evaluated 2024-11-06.

Conditions:
Cardiovascular phenotype. Identifiers: MedGen CN230736.
Long QT syndrome (LQTS). Identifiers: MedGen C0023976, MeSH D008133, MONDO:0002442. Disease mechanism: loss of function. Inheritance: Various modes of inheritance.

Allele frequency attached by ClinVar (database versions not stated): gnomAD 0.00002; TOPMed 0.00003; ExAC 0.00004.
gnomAD v4.1: 41 of 1,614,064 alleles (0.0025%); highest among the groups gnomAD compares: Non-Finnish European, 0.0035%; no homozygotes.

Submissions (4):

Blueprint Genetics
Classification: Likely benign. Last evaluated: 2024-11-06. Review status: criteria provided, single submitter. Criteria: ACMG Guidelines, 2015. Collection method: clinical testing. Allele origin: germline.

Labcorp Genetics (formerly Invitae), Labcorp
Classification: Likely benign for Long QT syndrome. Last evaluated: 2024-11-03. Review status: criteria provided, single submitter. Criteria: Invitae Variant Classification Sherloc (09022015). Collection method: clinical testing. Allele origin: germline.

CeGaT Center for Human Genetics Tuebingen
Classification: Likely benign. Last evaluated: 2022-07-01. Review status: criteria provided, single submitter. Criteria: CeGaT Center For Human Genetics Tuebingen Variant Classification Criteria Version 2. Collection method: clinical testing. Allele origin: germline. Affected: yes. Observed: 1 variant allele.
Comment: ANK2: BP4, BP7

Ambry Genetics
Classification: Likely benign for Cardiovascular phenotype. Last evaluated: 2020-09-15. Review status: criteria provided, single submitter. Criteria: Ambry Variant Classification Scheme 2023. Collection method: clinical testing. Allele origin: germline.